The following is an entry in ClinVar:

ClinVar aggregate classification (germline): Uncertain significance (1 of 4 stars; one submission).

Allele frequency attached by ClinVar (database versions not stated): gnomAD exomes 0.00001; ExAC 0.00004; TOPMed 0.00002; gnomAD 0.00003.
gnomAD v4.1: 21 of 1,613,374 alleles (0.0013%); highest among the groups gnomAD compares: East Asian, 0.02%; no homozygotes.

Submission:

Labcorp Genetics (formerly Invitae), Labcorp
Classification: Uncertain significance. Last evaluated: 2025-11-23. Review status: criteria provided, single submitter. Criteria: Invitae Variant Classification Sherloc (09022015). Collection method: clinical testing. Allele origin: germline.
Comment: This sequence change replaces glycine, which is neutral and non-polar, with serine, which is neutral and polar, at codon 756 of the IFT88 protein (p.Gly756Ser). This variant is present in population databases (rs757268801, gnomAD 0.06%). This variant has not been reported in the literature in individuals affected with IFT88-related conditions. ClinVar contains an entry for this variant (Variation ID: 2983859). An algorithm developed to predict the effect of missense changes on protein structure and function outputs the following: PolyPhen-2: "Benign". The serine amino acid residue is found in multiple mammalian species, which suggests that this missense change does not adversely affect protein function. In summary, the available evidence is currently insufficient to determine the role of this variant in disease. Therefore, it has been classified as a Variant of Uncertain Significance.

NM_006531.5(IFT88):c.2239G>A (p.Gly747Ser)

Gene: IFT88 (intraflagellar transport 88; plus strand). Cytogenetic location: 13q12.11.
Variant type: single nucleotide variant.
Coding change: c.2239G>A on transcript NM_006531.5 (MANE Select); coding-DNA position 2239, G replaced by A.
Protein change: p.Gly747Ser; replaces glycine 747 with serine.
Molecular consequence: missense variant. On other transcripts: 3 prime UTR variant (1), non-coding transcript variant (5).
Genome position (GRCh38, 1-based): chr13:20,671,036, G>A. VCF-style: chr13-20671036-G-A. GRCh37 (hg19) VCF-style: chr13-21245175-G-A.
Other names: c.2182G>A, p.Gly728Ser (NM_001318491.2); c.2266G>A, p.Gly756Ser (NM_001318493.2, NM_001353565.2, NM_001353566.2 and 2 more transcripts); c.2239G>A, p.Gly747Ser (NM_001353568.2, NM_001353572.2); c.2164G>A, p.Gly722Ser (NM_001353569.2, NM_001353570.2, NM_001353576.2 and 1 more transcripts); c.2137G>A, p.Gly713Ser (NM_001353571.2, NM_001353578.2); c.2095G>A, p.Gly699Ser (NM_001353573.2); c.2080G>A, p.Gly694Ser (NM_001353574.2); c.*2G>A (NM_001353575.2); and 1 more; short protein forms G694S, G728S, G722S, G747S, G756S, G536S, G699S, G713S.
Identifiers: ClinVar variation 2983859 (VCV002983859.3), dbSNP rs757268801, ClinGen allele CA6905710.